The following is an entry in ClinVar:

NM_001100.4(ACTA1):c.809-35del

Gene: ACTA1 (actin alpha 1, skeletal muscle; minus strand). Cytogenetic location: 1q42.13.
Variant type: Deletion.
Coding change: c.809-35del on transcript NM_001100.4 (MANE Select); 35 bases into the intron before coding-DNA position 809, one base deleted (G; older notation c.809-35delG).
Molecular consequence: intron variant.
Genome position (GRCh38, 1-based): chr1:229,431,937, C deleted on the plus strand (G on the coding strand, the reverse complement: ACTA1 is on the minus strand). VCF-style (leftmost placement, unchanged base first): chr1-229431936-TC-T. GRCh37 (hg19) VCF-style: chr1-229567683-TC-T.
Other names: c.809-35delG (NM_001100.3).
Identifiers: ClinVar variation 93554 (VCV000093554.9), dbSNP rs59228224, ClinGen allele CA147050.

ClinVar aggregate classification (germline): Benign. Review status: reviewed by expert panel (3 of 4 stars). 4 submissions from 4 submitters: Benign (1). 3 of the submissions do not count toward it. Last evaluated 2024-08-07.

Conditions:
Alpha-actinopathy. Also called: Actinopathy. Identifiers: MedGen CN295279, MONDO:0100084.

Allele frequency attached by ClinVar (database versions not stated): gnomAD exomes 0.14571 and 0.17818; ExAC 0.16773; ESP Exome Variant Server 0.19155; gnomAD 0.20535 and 0.20823; 1000 Genomes Project 0.20946; 1000 Genomes Project 30x 0.21237.

Submissions (4):

ClinGen Congenital Myopathies Variant Curation Expert Panel, ClinGen
Classification: Benign for Alpha-actinopathy. Last evaluated: 2024-08-07. Review status: reviewed by expert panel. Criteria: ClinGen CongenMyopathy ACMG Specifications ACTA1 AR V1.0.0. Collection method: curation. Allele origin: germline. Inheritance: Autosomal recessive inheritance.
Comment: The NM_001100.4:c.809-35del variant in ACTA1 is an intronic variant which is located in the 3’ non-canonical splice site of intron 5. The population filtering allele frequency in gnomAD v4.1.0 is 0.2723 (20520/74490 alleles with 2805 homozygotes) in the African/African American population, which is higher than the ClinGen Congenital Myopathies VCEP threshold for BA1, and therefore meets this criterion (BA1). The results from the in silico predictor, SpliceAI, suggest that the variant does not impact ACTA1 function and it occurs at a nucleotide that is not conserved as shown by the UCSC Browser (BP4, BP7). In summary, this variant meets the criteria to be classified as benign for alpha-actinopathy based on the ACMG/AMP criteria applied, as specified by the ClinGen Congenital Myopathies VCEP: BA1, BP7 (ClinGen Congenital Myopathies VCEP specifications version 1; 08/07/2024).

GeneDx
Classification: Benign. Last evaluated: 2015-03-03. Review status: criteria provided, single submitter. Criteria: GeneDx Variant Classification Process June 2021. Collection method: clinical testing. Allele origin: germline. Affected: yes. Not counted in ClinVar's aggregate classification.

Eurofins Ntd Llc (ga)
Classification: Benign. Last evaluated: 2013-09-13. Review status: criteria provided, single submitter. Criteria: EGL Classification Definitions 2015. Collection method: clinical testing. Allele origin: germline. Observed: 7 variant alleles, 7 heterozygotes. Not counted in ClinVar's aggregate classification.

PreventionGenetics, part of Exact Sciences
Classification: Benign. Review status: criteria provided, single submitter. Criteria: ACMG Guidelines, 2015. Collection method: clinical testing. Allele origin: germline. Not counted in ClinVar's aggregate classification.